The following is an entry in ClinVar:

ClinVar aggregate classification (germline): Uncertain significance. Review status: criteria provided, multiple submitters, no conflicts (2 of 4 stars). 2 submissions from 2 submitters: Uncertain significance (2). Last evaluated 2023-12-17.

Conditions:
Intellectual disability, autosomal dominant 9 (NESCAVS). Also called: KIF1A-Related Neurodevelopmental Disorder; NESCAV SYNDROME. Identifiers: Orphanet 662367, MedGen C5393830, MONDO:0013656, OMIM 614255.
Neuropathy, hereditary sensory, type 2C. Also called: Hereditary sensory and autonomic neuropathy type IIC; KIF1A-Related HSAN2 (HSAN2C). Identifiers: Orphanet 970, MedGen C3280168, MONDO:0013634, OMIM 614213.
Hereditary spastic paraplegia 30. Identifiers: Orphanet 101010, MedGen C5235139, MONDO:0012476.

Allele frequency attached by ClinVar (database versions not stated): gnomAD exomes below 0.00001; gnomAD 0.00002; TOPMed 0.00002.
gnomAD v4.1: 4 of 1,613,542 alleles (0.00025%); highest among the groups gnomAD compares: African/African-American, 0.0053%; no homozygotes.

Submissions (2):

Labcorp Genetics (formerly Invitae), Labcorp
Classification: Uncertain significance for Hereditary spastic paraplegia 30; Neuropathy, hereditary sensory, type 2C; Intellectual disability, autosomal dominant 9. Last evaluated: 2023-12-17. Review status: criteria provided, single submitter. Criteria: Invitae Variant Classification Sherloc (09022015). Collection method: clinical testing. Allele origin: germline.
Comment: This sequence change replaces valine, which is neutral and non-polar, with methionine, which is neutral and non-polar, at codon 168 of the KIF1A protein (p.Val168Met). This variant is present in population databases (no rsID available, gnomAD 0.01%). This variant has not been reported in the literature in individuals affected with KIF1A-related conditions. ClinVar contains an entry for this variant (Variation ID: 374776). Advanced modeling of protein sequence and biophysical properties (such as structural, functional, and spatial information, amino acid conservation, physicochemical variation, residue mobility, and thermodynamic stability) performed at Invitae indicates that this missense variant is expected to disrupt KIF1A protein function with a positive predictive value of 95%. In summary, the available evidence is currently insufficient to determine the role of this variant in disease. Therefore, it has been classified as a Variant of Uncertain Significance.

CeGaT Center for Human Genetics Tuebingen
Classification: Uncertain significance. Last evaluated: 2016-06-01. Review status: criteria provided, single submitter. Criteria: CeGaT Center For Human Genetics Tuebingen Variant Classification Criteria Version 2. Collection method: clinical testing. Allele origin: germline. Affected: yes. Observed: 1 variant allele.

NM_001244008.2(KIF1A):c.502G>A (p.Val168Met)

Gene: KIF1A (kinesin family member 1A; minus strand). Cytogenetic location: 2q37.3.
Variant type: single nucleotide variant.
Coding change: c.502G>A on transcript NM_001244008.2 (MANE Select); coding-DNA position 502, G replaced by A.
Protein change: p.Val168Met; replaces valine 168 with methionine.
Molecular consequence: missense variant.
Genome position (GRCh38, 1-based): chr2:240,786,441, C>T on the plus strand (G>A on the coding strand, the complement: KIF1A is on the minus strand). VCF-style: chr2-240786441-C-T. GRCh37 (hg19) VCF-style: chr2-241725858-C-T.
Other names: c.502G>A, p.Val168Met (NM_001320705.2, NM_001330289.2, NM_001330290.2 and 20 more transcripts); short protein forms V168M.
Identifiers: ClinVar variation 374776 (VCV000374776.46), dbSNP rs1057519241, ClinGen allele CA16043891.